The following is an entry in ClinVar:

NM_177972.3(TUB):c.258A>C (p.Gln86His)

Genes: RIC3 (RIC3 acetylcholine receptor chaperone; minus strand), TUB (TUB bipartite transcription factor; plus strand). Cytogenetic location: 11p15.4.
Variant type: single nucleotide variant.
Coding change: c.258A>C on transcript NM_177972.3 (MANE Select); coding-DNA position 258, A replaced by C.
Protein change: p.Gln86His; replaces glutamine 86 with histidine.
Molecular consequence: missense variant. On other transcripts: non-coding transcript variant (1).
Genome position (GRCh38, 1-based): chr11:8,094,050, A>C. VCF-style: chr11-8094050-A-C. GRCh37 (hg19) VCF-style: chr11-8115597-A-C.
Other names: c.276A>C, p.Gln92His (NM_001440538.1, NM_001440539.1, NM_001440540.1 and 1 more transcripts); c.258A>C, p.Gln86His (NM_001440541.1); c.423A>C, p.Gln141His (NM_003320.5); short protein forms Q86H, Q92H, Q141H.
Identifiers: ClinVar variation 4994090 (VCV004994090.1).

ClinVar aggregate classification (germline): Uncertain significance (1 of 4 stars; one submission).

Conditions:
TUB-related disorder. Also called: TUB-related condition.

gnomAD v4.1: 8 of 1,614,112 alleles (0.0005%); highest among the groups gnomAD compares: Non-Finnish European, 0.00068%; no homozygotes.

Submission:

PreventionGenetics, part of Exact Sciences
Classification: Uncertain significance for TUB-related condition. Last evaluated: 2026-08-24. Review status: criteria provided, single submitter. Criteria: ACMG Guidelines, 2015. Collection method: clinical testing. Allele origin: germline.
Comment: The TUB c.423A>C variant is predicted to result in the amino acid substitution p.Gln141His. To our knowledge, this variant has not been reported in the literature or in a large population database (gnomAD), indicating this variant is rare. At this time, the clinical significance of this variant is uncertain due to the absence of conclusive functional and genetic evidence.